The following is an entry in ClinVar:

NM_004614.5(TK2):c.139A>G (p.Lys47Glu)

Gene: TK2 (thymidine kinase 2; minus strand). Cytogenetic location: 16q21.
Variant type: single nucleotide variant.
Coding change: c.139A>G on transcript NM_004614.5 (MANE Select); coding-DNA position 139, A replaced by G.
Protein change: p.Lys47Glu; replaces lysine 47 with glutamic acid.
Molecular consequence: missense variant. On other transcripts: 5 prime UTR variant (2), non-coding transcript variant (1).
Genome position (GRCh38, 1-based): chr16:66,548,995, T>C on the plus strand (A>G on the coding strand, the complement: TK2 is on the minus strand). VCF-style: chr16-66548995-T-C. GRCh37 (hg19) VCF-style: chr16-66582898-T-C.
Other names: c.46A>G, p.Lys16Glu (NM_001172643.1, NM_001271935.1); c.139A>G, p.Lys47Glu (NM_001172644.2, NM_001172645.2); c.-104A>G (NM_001271934.2); c.-153A>G (NM_001272050.2); c.139A>G (NM_004614.4); short protein forms K16E, K47E.
Identifiers: ClinVar variation 1370904 (VCV001370904.7), dbSNP rs1485860665, ClinGen allele CA396193306.
Genomic context (GRCh38, chr16:66,548,995, plus strand): 5'-AAACCAAATTATCCTAGAGAGTACACATAAAAGAGGGACTTACCACTGATTTTTTCTCTT[T>C]TTCCTGTTCTTTATCTACAAAAGAAAGGAAATCAGTTTTTAAACTCACTTTTAAATAACT-3'
Protein context (NP_004605.4, residues 37-57): RAWPPDKEQE[Lys47Glu]EKKSVICVEG

ClinVar aggregate classification (germline): Uncertain significance. Review status: criteria provided, multiple submitters, no conflicts (2 of 4 stars). 2 submissions from 2 submitters: Uncertain significance (2). Last evaluated 2025-08-18.

Conditions:
Inborn genetic diseases. Identifiers: MedGen C0950123, MeSH D030342.

Allele frequency attached by ClinVar (database versions not stated): gnomAD 0.00001; gnomAD exomes 0.00001; TOPMed 0.00001.
gnomAD v4.1: 4 of 1,613,756 alleles (0.00025%); highest among the groups gnomAD compares: Non-Finnish European, 0.00034%; no homozygotes.

Submissions (2):

Labcorp Genetics (formerly Invitae), Labcorp
Classification: Uncertain significance. Last evaluated: 2025-08-18. Review status: criteria provided, single submitter. Criteria: Invitae Variant Classification Sherloc (09022015). Collection method: clinical testing. Allele origin: germline.
Comment: This sequence change replaces lysine, which is basic and polar, with glutamic acid, which is acidic and polar, at codon 47 of the TK2 protein (p.Lys47Glu). This variant is not present in population databases (gnomAD no frequency). This variant has not been reported in the literature in individuals affected with TK2-related conditions. ClinVar contains an entry for this variant (Variation ID: 1370904). Invitae Evidence Modeling of protein sequence and biophysical properties (such as structural, functional, and spatial information, amino acid conservation, physicochemical variation, residue mobility, and thermodynamic stability) indicates that this missense variant is not expected to disrupt TK2 protein function with a negative predictive value of 95%. In summary, the available evidence is currently insufficient to determine the role of this variant in disease. Therefore, it has been classified as a Variant of Uncertain Significance.

Ambry Genetics
Classification: Uncertain significance for Inborn genetic diseases. Last evaluated: 2021-07-09. Review status: criteria provided, single submitter. Criteria: Ambry Variant Classification Scheme 2023. Collection method: clinical testing. Allele origin: germline.